The following is an entry in ClinVar:

ClinVar aggregate classification (germline): Uncertain significance (1 of 4 stars; one submission).

Submission:

Labcorp Genetics (formerly Invitae), Labcorp
Classification: Uncertain significance. Last evaluated: 2022-04-04. Review status: criteria provided, single submitter. Criteria: Invitae Variant Classification Sherloc (09022015). Collection method: clinical testing. Allele origin: germline.
Comment: This sequence change replaces threonine, which is neutral and polar, with serine, which is neutral and polar, at codon 224 of the PCNT protein (p.Thr224Ser). This variant is not present in population databases (gnomAD no frequency). This variant has not been reported in the literature in individuals affected with PCNT-related conditions. Algorithms developed to predict the effect of missense changes on protein structure and function (SIFT, PolyPhen-2, Align-GVGD) all suggest that this variant is likely to be tolerated. In summary, the available evidence is currently insufficient to determine the role of this variant in disease. Therefore, it has been classified as a Variant of Uncertain Significance.

NM_006031.6(PCNT):c.671C>G (p.Thr224Ser)

Gene: PCNT (pericentrin; plus strand). Cytogenetic location: 21q22.3.
Variant type: single nucleotide variant.
Coding change: c.671C>G on transcript NM_006031.6 (MANE Select); coding-DNA position 671, C replaced by G.
Protein change: p.Thr224Ser; replaces threonine 224 with serine.
Molecular consequence: missense variant.
Genome position (GRCh38, 1-based): chr21:46,346,159, C>G. VCF-style: chr21-46346159-C-G. GRCh37 (hg19) VCF-style: chr21-47766073-C-G.
Other names: c.317C>G, p.Thr106Ser (NM_001315529.2); short protein forms T224S, T106S.
Identifiers: ClinVar variation 2121486 (VCV002121486.1), dbSNP rs900604095, ClinGen allele CA410552028.